The following is an entry in ClinVar:

NM_000465.4(BARD1):c.834C>A (p.Val278=)

Gene: BARD1 (BRCA1 associated RING domain 1; minus strand). Cytogenetic location: 2q35.
Variant type: single nucleotide variant.
Coding change: c.834C>A on transcript NM_000465.4 (MANE Select); coding-DNA position 834, C replaced by A.
Protein change: p.Val278=; no amino-acid change (valine 278 retained).
Molecular consequence: synonymous variant. On other transcripts: non-coding transcript variant (2), intron variant (3).
Genome position (GRCh38, 1-based): chr2:214,781,040, G>T on the plus strand (C>A on the coding strand, the complement: BARD1 is on the minus strand). VCF-style: chr2-214781040-G-T. GRCh37 (hg19) VCF-style: chr2-215645764-G-T.
Other names: c.777C>A, p.Val259= (NM_001282543.2); c.158+28372C>A (NM_001282548.2); c.215+16021C>A (NM_001282545.2); c.364+11257C>A (NM_001282549.2).
Identifiers: ClinVar variation 3378440 (VCV003378440.1).

ClinVar aggregate classification (germline): Benign (1 of 4 stars; one submission).

Conditions:
Familial cancer of breast. Also called: hereditary breast carcinoma; Hereditary breast cancer; BREAST CANCER, FAMILIAL. Identifiers: Orphanet 227535, MedGen C0346153, MONDO:0016419, OMIM 114480. Disease mechanism: loss of function.

Submission:

Myriad Genetics, Inc.
Classification: Benign for Familial cancer of breast. Last evaluated: 2024-07-23. Review status: criteria provided, single submitter. Criteria: Myriad Autosomal Dominant, Autosomal Recessive and X-Linked Classification Criteria (2023). Collection method: clinical testing. Allele origin: unknown.
Comment: This variant is considered benign. This variant is a silent/synonymous amino acid change and it is not expected to impact splicing.